The following is an entry in ClinVar:

NM_000048.4(ASL):c.857A>C (p.Gln286Pro)

Gene: ASL (argininosuccinate lyase; plus strand). Cytogenetic location: 7q11.21.
Variant type: single nucleotide variant.
Coding change: c.857A>C on transcript NM_000048.4 (MANE Select); coding-DNA position 857, A replaced by C.
Protein change: p.Gln286Pro; replaces glutamine 286 with proline.
Molecular consequence: missense variant.
Genome position (GRCh38, 1-based): chr7:66,089,114, A>C. VCF-style: chr7-66089114-A-C. GRCh37 (hg19) VCF-style: chr7-65554101-A-C.
Other names: c.857A>C, p.Gln286Pro (NM_001024943.2, NM_001024944.2); c.779A>C, p.Gln260Pro (NM_001024946.2); short protein forms Q286P, Q260P.
Identifiers: ClinVar variation 2731175 (VCV002731175.3), dbSNP rs28941472, ClinGen allele CA367645505.

ClinVar aggregate classification (germline): Likely pathogenic (1 of 4 stars; one submission).

Conditions:
Argininosuccinate lyase deficiency. Also called: ARGININOSUCCINIC ACID LYASE DEFICIENCY; ASL DEFICIENCY; Argininosuccinic aciduria. Identifiers: Orphanet 23, MedGen C0268547, MONDO:0008815, OMIM 207900, HP:0025630.

Submission:

Labcorp Genetics (formerly Invitae), Labcorp
Classification: Likely pathogenic for Argininosuccinate lyase deficiency. Last evaluated: 2022-11-29. Review status: criteria provided, single submitter. Criteria: Invitae Variant Classification Sherloc (09022015). Collection method: clinical testing. Allele origin: germline.
Comment: In summary, the currently available evidence indicates that the variant is pathogenic, but additional data are needed to prove that conclusively. Therefore, this variant has been classified as Likely Pathogenic. This variant disrupts the p.Gln286 amino acid residue in ASL. Other variant(s) that disrupt this residue have been determined to be pathogenic (PMID: 12408190, 19703900, 21667091, 23430928). This suggests that this residue is clinically significant, and that variants that disrupt this residue are likely to be disease-causing. Advanced modeling of protein sequence and biophysical properties (such as structural, functional, and spatial information, amino acid conservation, physicochemical variation, residue mobility, and thermodynamic stability) performed at Invitae indicates that this missense variant is expected to disrupt ASL protein function. This variant has not been reported in the literature in individuals affected with ASL-related conditions. This variant is not present in population databases (gnomAD no frequency). This sequence change replaces glutamine, which is neutral and polar, with proline, which is neutral and non-polar, at codon 286 of the ASL protein (p.Gln286Pro).

Literature cited by the submitters: PubMed 12408190; PubMed 19703900; PubMed 21667091; PubMed 23430928.